The following is an entry in ClinVar:

NM_007272.3(CTRC):c.23C>G (p.Ala8Gly)

Gene: CTRC (chymotrypsin C; plus strand). Cytogenetic location: 1p36.21.
Variant type: single nucleotide variant.
Coding change: c.23C>G on transcript NM_007272.3 (MANE Select); coding-DNA position 23, C replaced by G.
Protein change: p.Ala8Gly; replaces alanine 8 with glycine.
Molecular consequence: missense variant.
Genome position (GRCh38, 1-based): chr1:15,438,487, C>G. VCF-style: chr1-15438487-C-G. GRCh37 (hg19) VCF-style: chr1-15764983-C-G.
Other names: short protein forms A8G.
Identifiers: ClinVar variation 1790704 (VCV001790704.3), dbSNP rs2526285336, ClinGen allele CA338563666.

ClinVar aggregate classification (germline): Uncertain significance (1 of 4 stars; one submission).

Conditions:
Hereditary pancreatitis (PCTT). Also called: PRSS1-Related Hereditary Pancreatitis; Hereditary chronic pancreatitis. Identifiers: Orphanet 676, MedGen C0238339, MONDO:0008185, OMIM 167800.

Submission:

Ambry Genetics
Classification: Uncertain significance for Hereditary pancreatitis. Last evaluated: 2024-10-31. Review status: criteria provided, single submitter. Criteria: Ambry Variant Classification Scheme 2023. Collection method: clinical testing. Allele origin: germline.
Comment: The p.A8G variant (also known as c.23C>G), located in coding exon 1 of the CTRC gene, results from a C to G substitution at nucleotide position 23. The alanine at codon 8 is replaced by glycine, an amino acid with similar properties. This amino acid position is conserved. In addition, the in silico prediction for this alteration is inconclusive. Since supporting evidence is limited at this time, the clinical significance of this alteration remains unclear.